The following is an entry in ClinVar:

NM_006493.4(CLN5):c.675G>A (p.Trp225Ter)

Gene: CLN5 (CLN5 lysosomal BMP synthase; plus strand). Cytogenetic location: 13q22.3.
Variant type: single nucleotide variant.
Coding change: c.675G>A on transcript NM_006493.4 (MANE Select); coding-DNA position 675, G replaced by A.
Protein change: p.Trp225Ter; replaces tryptophan 225 with a stop codon.
Molecular consequence: nonsense. On other transcripts: 3 prime UTR variant (1).
Genome position (GRCh38, 1-based): chr13:77,000,567, G>A. VCF-style: chr13-77000567-G-A. GRCh37 (hg19) VCF-style: chr13-77574702-G-A.
Other names: c.*124G>A (NM_001366624.2); c.822G>A (LRG_692t1); short protein forms W225*.
Identifiers: ClinVar variation 522601 (VCV000522601.43), dbSNP rs1555274338, ClinGen allele CA388311935.

ClinVar aggregate classification (germline): Pathogenic/Likely pathogenic. Review status: criteria provided, multiple submitters, no conflicts (2 of 4 stars). 5 submissions from 5 submitters: Pathogenic (1); Likely pathogenic (4). Last evaluated 2024-03-05.

Conditions:
Neuronal ceroid lipofuscinosis 5 (CLN5). Also called: CLN5-Related Neuronal Ceroid-Lipofuscinosis; CEROID LIPOFUSCINOSIS, NEURONAL, 5, VARIABLE AGE AT ONSET; Neuronal ceroid lipofuscinosis Finnish variant; NEURONAL CEROID LIPOFUSCINOSIS, LATE INFANTILE, FINNISH VARIANT. Identifiers: Orphanet 168491, Orphanet 228360, MedGen C1850442, MONDO:0009745, OMIM 256731.
Neuronal ceroid lipofuscinosis. Also called: Neuronal Ceroid Lipofuscinoses. Identifiers: Orphanet 216, Orphanet 79263, MedGen C0027877, MONDO:0016295. Disease mechanism: loss of function.

Submissions (5):

Fulgent Genetics
Classification: Likely pathogenic for Neuronal ceroid lipofuscinosis 5. Last evaluated: 2024-03-05. Review status: criteria provided, single submitter. Criteria: ACMG Guidelines, 2015. Collection method: clinical testing. Allele origin: germline.

Labcorp Genetics (formerly Invitae), Labcorp
Classification: Pathogenic for Neuronal ceroid lipofuscinosis. Last evaluated: 2023-07-07. Review status: criteria provided, single submitter. Criteria: Invitae Variant Classification Sherloc (09022015). Collection method: clinical testing. Allele origin: germline.
Comment: This variant is not present in population databases (gnomAD no frequency). For these reasons, this variant has been classified as Pathogenic. This variant disrupts a region of the CLN5 protein in which other variant(s) (p.Tyr392*) have been determined to be pathogenic (PMID: 9662406). This suggests that this is a clinically significant region of the protein, and that variants that disrupt it are likely to be disease-causing. ClinVar contains an entry for this variant (Variation ID: 522601). This variant has not been reported in the literature in individuals affected with CLN5-related conditions. This sequence change creates a premature translational stop signal (p.Trp274*) in the CLN5 gene. While this is not anticipated to result in nonsense mediated decay, it is expected to disrupt the last 134 amino acid(s) of the CLN5 protein.

CeGaT Center for Human Genetics Tuebingen
Classification: Likely pathogenic. Last evaluated: 2022-01-01. Review status: criteria provided, single submitter. Criteria: CeGaT Center For Human Genetics Tuebingen Variant Classification Criteria Version 2. Collection method: clinical testing. Allele origin: germline. Affected: yes. Observed: 1 variant allele.

GeneDx
Classification: Likely pathogenic. Last evaluated: 2018-12-04. Review status: criteria provided, single submitter. Criteria: GeneDx Variant Classification (06012015). Collection method: clinical testing. Allele origin: germline. Affected: yes.
Comment: The W274X variant in the CLN5 gene has not been reported previously as a pathogenic variant nor as a benign variant, to our knowledge. This variant is predicted to cause loss of normal protein function through protein truncation as the last 134 amino acids are lost. The W274X variant is not observed in large population cohorts (Lek et al., 2016). We interpret W274X as a likely pathogenic variant.

Tehran Medical Genetics Laboratory
Classification: Likely pathogenic for Neuronal ceroid lipofuscinosis 5. Review status: criteria provided, single submitter. Criteria: ACMG Guidelines, 2015. Collection method: clinical testing. Allele origin: inherited. Inheritance: Autosomal recessive inheritance. Affected: yes. Observed: 1 variant allele, 1 homozygote.

Literature cited by the submitters: PubMed 9662406 (cited by Labcorp Genetics (formerly Invitae), Labcorp).